The following is an entry in ClinVar:

NM_000017.4(ACADS):c.868G>C (p.Ala290Pro)

Gene: ACADS (acyl-CoA dehydrogenase short chain; plus strand). Cytogenetic location: 12q24.31.
Variant type: single nucleotide variant.
Coding change: c.868G>C on transcript NM_000017.4 (MANE Select); coding-DNA position 868, G replaced by C.
Protein change: p.Ala290Pro; replaces alanine 290 with proline.
Molecular consequence: missense variant.
Genome position (GRCh38, 1-based): chr12:120,738,605, G>C. VCF-style: chr12-120738605-G-C. GRCh37 (hg19) VCF-style: chr12-121176408-G-C.
Other names: c.856G>C, p.Ala286Pro (NM_001302554.2); short protein forms A290P, A286P.
Identifiers: ClinVar variation 529843 (VCV000529843.10), dbSNP rs777181213, ClinGen allele CA6831102.
Genomic context (GRCh38, chr12:120,738,605, plus strand): 5'-ATGGGCCGCATCGGCATCGCCTCCCAGGCCCTGGGCATTGCCCAGACCGCCCTCGATTGT[G>C]CTGTGAACTACGCTGAGAATCGCATGGCCTTCGGGGCGCCCCTCACCAAGCTCCAGGTCA-3'
Protein context (NP_000008.1, residues 280-300): LGIAQTALDC[Ala290Pro]VNYAENRMAF

ClinVar aggregate classification (germline): Uncertain significance (1 of 4 stars; one submission).

Conditions:
Deficiency of butyryl-CoA dehydrogenase (ACADSD). Also called: SCAD DEFICIENCY, MILD; ACYL-CoA DEHYDROGENASE, SHORT-CHAIN, DEFICIENCY OF; SCADH DEFICIENCY; SCAD Deficiency; ACADS DEFICIENCY; Short-Chain Acyl-CoA Dehydrogenase Deficiency. Identifiers: Orphanet 26792, MedGen C0342783, MONDO:0008722, OMIM 201470. Disease mechanism: May be benign.

Allele frequency attached by ClinVar (database versions not stated): gnomAD exomes below 0.00001; ExAC 0.00001; gnomAD 0.00001.
gnomAD v4.1: 6 of 1,613,306 alleles (0.00037%); highest among the groups gnomAD compares: South Asian, 0.0066%; no homozygotes.

Submission:

Labcorp Genetics (formerly Invitae), Labcorp
Classification: Uncertain significance for Deficiency of butyryl-CoA dehydrogenase. Last evaluated: 2022-02-21. Review status: criteria provided, single submitter. Criteria: Invitae Variant Classification Sherloc (09022015). Collection method: clinical testing. Allele origin: germline.
Comment: Advanced modeling of protein sequence and biophysical properties (such as structural, functional, and spatial information, amino acid conservation, physicochemical variation, residue mobility, and thermodynamic stability) performed at Invitae indicates that this missense variant is expected to disrupt ACADS protein function. ClinVar contains an entry for this variant (Variation ID: 529843). This missense change has been observed in individual(s) with SCAD deficiency (Invitae). This variant is present in population databases (rs777181213, gnomAD 0.003%). This sequence change replaces alanine, which is neutral and non-polar, with proline, which is neutral and non-polar, at codon 290 of the ACADS protein (p.Ala290Pro). In summary, the available evidence is currently insufficient to determine the role of this variant in disease. Therefore, it has been classified as a Variant of Uncertain Significance.